The following is an entry in ClinVar:

ClinVar aggregate classification (germline): Uncertain significance (1 of 4 stars; one submission).

Submission:

GeneDx
Classification: Uncertain significance. Last evaluated: 2023-11-06. Review status: criteria provided, single submitter. Criteria: GeneDx Variant Classification Process June 2021. Collection method: clinical testing. Allele origin: germline. Affected: yes.
Comment: Not observed at significant frequency in large population cohorts (gnomAD); In silico analysis supports that this missense variant has a deleterious effect on protein structure/function; Has not been previously published as pathogenic or benign to our knowledge

NM_001366145.2(TRPM3):c.3680A>T (p.Asp1227Val)

Genes: KLF9-DT (KLF9 divergent transcript; plus strand), TRPM3 (transient receptor potential cation channel subfamily M member 3; minus strand). Cytogenetic location: 9q21.12.
Variant type: single nucleotide variant.
Coding change: c.3680A>T on transcript NM_001366145.2 (MANE Select); coding-DNA position 3680, A replaced by T.
Protein change: p.Asp1227Val; replaces aspartic acid 1227 with valine.
Molecular consequence: missense variant.
Genome position (GRCh38, 1-based): chr9:70,549,569, T>A on the plus strand (A>T on the coding strand, the complement: TRPM3 is on the minus strand). VCF-style: chr9-70549569-T-A. GRCh37 (hg19) VCF-style: chr9-73164485-T-A.
Other names: c.3644A>T, p.Asp1215Val (NM_001007471.4, NM_001366151.2); c.3650A>T, p.Asp1217Val (NM_001366141.2, NM_001366143.2, NM_001366149.2); c.3686A>T, p.Asp1229Val (NM_001366142.2); c.3680A>T, p.Asp1227Val (NM_001366146.2); c.3755A>T, p.Asp1252Val (NM_001366147.2, NM_001366152.2); c.3725A>T, p.Asp1242Val (NM_001366148.2); c.3614A>T, p.Asp1205Val (NM_001366150.2); c.3221A>T, p.Asp1074Val (NM_001366154.2, NM_024971.7); and 5 more; short protein forms D1052V, D1062V, D1064V, D1074V, D1077V, D1087V, D1205V, D1215V.
Identifiers: ClinVar variation 3363628 (VCV003363628.1).